The following is an entry in ClinVar:

ClinVar aggregate classification (germline): Uncertain significance (1 of 4 stars; one submission).

gnomAD v4.1: 1 of 1,614,120 alleles (0.000062%); highest among the groups gnomAD compares: Non-Finnish European, 0.000085%; no homozygotes.

Submission:

GeneDx
Classification: Uncertain significance. Last evaluated: 2025-01-21. Review status: criteria provided, single submitter. Criteria: GeneDx Variant Classification Process June 2021. Collection method: clinical testing. Allele origin: germline. Affected: yes.
Comment: Not observed at significant frequency in large population cohorts (gnomAD); In silico analysis indicates that this missense variant does not alter protein structure/function; Has not been previously published as pathogenic or benign to our knowledge

NM_017433.5(MYO3A):c.4430G>A (p.Cys1477Tyr)

Gene: MYO3A (myosin IIIA; plus strand). Cytogenetic location: 10p12.1.
Variant type: single nucleotide variant.
Coding change: c.4430G>A on transcript NM_017433.5 (MANE Select); coding-DNA position 4430, G replaced by A.
Protein change: p.Cys1477Tyr; replaces cysteine 1477 with tyrosine.
Molecular consequence: missense variant.
Genome position (GRCh38, 1-based): chr10:26,176,837, G>A. VCF-style: chr10-26176837-G-A. GRCh37 (hg19) VCF-style: chr10-26465766-G-A.
Other names: short protein forms C1477Y.
Identifiers: ClinVar variation 4070762 (VCV004070762.1).